The following is an entry in ClinVar:

NM_002578.5(PAK3):c.56A>G (p.Asn19Ser)

Gene: PAK3 (p21 (RAC1) activated kinase 3; plus strand). Cytogenetic location: Xq23.
Variant type: single nucleotide variant.
Coding change: c.56A>G on transcript NM_002578.5 (MANE Select); coding-DNA position 56, A replaced by G.
Protein change: p.Asn19Ser; replaces asparagine 19 with serine.
Molecular consequence: missense variant. On other transcripts: non-coding transcript variant (9).
Genome position (GRCh38, 1-based): chrX:111,123,159, A>G. VCF-style: chrX-111123159-A-G. GRCh37 (hg19) VCF-style: chrX-110366387-A-G.
Other names: c.56A>G, p.Asn19Ser (NM_001128166.3, NM_001128167.3, NM_001128168.3 and 12 more transcripts); short protein forms N19S.
Identifiers: ClinVar variation 4730893 (VCV004730893.1).

ClinVar aggregate classification (germline): Uncertain significance (1 of 4 stars; one submission).

gnomAD v4.1: 1 of 1,204,448 alleles (0.000083%); highest among the groups gnomAD compares: Non-Finnish European, 0.00011%; no homozygotes.

Submission:

Labcorp Genetics (formerly Invitae), Labcorp
Classification: Uncertain significance. Last evaluated: 2026-01-12. Review status: criteria provided, single submitter. Criteria: Invitae Variant Classification Sherloc (09022015). Collection method: clinical testing. Allele origin: germline.
Comment: This sequence change replaces asparagine, which is neutral and polar, with serine, which is neutral and polar, at codon 19 of the PAK3 protein (p.Asn19Ser). This variant is present in population databases (no rsID available, gnomAD 0.001%). This variant has not been reported in the literature in individuals affected with PAK3-related conditions. An algorithm developed to predict the effect of missense changes on protein structure and function (PolyPhen-2) suggests that this variant is likely to be tolerated. In summary, the available evidence is currently insufficient to determine the role of this variant in disease. Therefore, it has been classified as a Variant of Uncertain Significance.